The following is an entry in ClinVar:

ClinVar aggregate classification (germline): Conflicting classifications of pathogenicity. Review status: criteria provided, conflicting classifications (1 of 4 stars). 4 submissions from 4 submitters: Uncertain significance (3); Likely benign (1). Last evaluated 2025-12-01.

Conditions:
Idiopathic generalized epilepsy. Also called: Generalised epilepsy; EIG. Identifiers: MedGen C0270850, MONDO:0005579, OMIM 600669.
Hyperaldosteronism, familial, type IV (HALD4). Also called: FH IV; ALDOSTERONISM, PRIMARY, AND HYPERTENSION. Identifiers: Orphanet 642671, MedGen C4310756, MONDO:0014875, OMIM 617027.

Allele frequency attached by ClinVar (database versions not stated): gnomAD 0.00006 and 0.00008; gnomAD exomes 0.00010 and 0.00012; TOPMed 0.00012; 1000 Genomes Project 0.00020; ExAC 0.00022; 1000 Genomes Project 30x 0.00031.
gnomAD v4.1: 155 of 1,611,924 alleles (0.0096%); highest among the groups gnomAD compares: East Asian, 0.025%; no homozygotes.

Submissions (4):

Labcorp Genetics (formerly Invitae), Labcorp
Classification: Uncertain significance for Idiopathic generalized epilepsy; Hyperaldosteronism, familial, type IV. Last evaluated: 2025-12-01. Review status: criteria provided, single submitter. Criteria: Invitae Variant Classification Sherloc (09022015). Collection method: clinical testing. Allele origin: germline.
Comment: This sequence change replaces arginine, which is basic and polar, with glutamine, which is neutral and polar, at codon 1675 of the CACNA1H protein (p.Arg1675Gln). This variant is present in population databases (rs149367557, gnomAD 0.04%), and has an allele count higher than expected for a pathogenic variant. This missense change has been observed in individual(s) with seizures (PMID: 27066544). This variant is also known as p.Arg1669Gln. ClinVar contains an entry for this variant (Variation ID: 571604). Invitae Evidence Modeling of protein sequence and biophysical properties (such as structural, functional, and spatial information, amino acid conservation, physicochemical variation, residue mobility, and thermodynamic stability) indicates that this missense variant is expected to disrupt CACNA1H protein function with a positive predictive value of 80%. In summary, the available evidence is currently insufficient to determine the role of this variant in disease. Therefore, it has been classified as a Variant of Uncertain Significance.

Women's Health and Genetics/Laboratory Corporation of America, LabCorp
Classification: Uncertain significance. Last evaluated: 2025-09-17. Review status: criteria provided, single submitter. Criteria: LabCorp Variant Classification Summary - May 2015. Collection method: clinical testing. Allele origin: germline.
Comment: Variant summary: CACNA1H c.5024G>A (p.Arg1675Gln) results in a conservative amino acid change in the encoded protein sequence. Algorithms developed to predict the effect of missense changes on protein structure and function are either unavailable or do not agree on the potential impact of this missense change. The variant allele was found at a frequency of 0.00012 in 244404 control chromosomes. This frequency is not significantly higher than estimated for disease-causing variants in CACNA1H, allowing no conclusion about variant significance. c.5024G>A has been observed in individuals affected with epilepsy with auditory features, sudden unexpected death in epilepsy, or early-onset epileptic encephalopathy/combined developmental and epileptic encephalopathies, without strong evidence of causality (e.g. Coll_2016, Papuc_2019, Pippucci_2015). These report(s) do not provide unequivocal conclusions about association of the variant with Idiopathic Generalized Epilepsy. To our knowledge, no experimental evidence demonstrating an impact on protein function has been reported. The following publications have been ascertained in the context of this evaluation (PMID: 26423924, 30552426, 27066544). ClinVar contains an entry for this variant (Variation ID: 571604). Based on the evidence outlined above, the variant was classified as uncertain significance.

Blueprint Genetics
Classification: Likely benign. Last evaluated: 2024-11-07. Review status: criteria provided, single submitter. Criteria: ACMG Guidelines, 2015. Collection method: clinical testing. Allele origin: germline.

GeneDx
Classification: Uncertain significance. Last evaluated: 2023-06-15. Review status: criteria provided, single submitter. Criteria: GeneDx Variant Classification Process June 2021. Collection method: clinical testing. Allele origin: germline. Affected: yes.
Comment: Identified in a patient with epilepsy with auditory features who inherited the variant from a parent with sleep-related bilateral tonic-clonic seizures (Pippucci et al., 2015); In silico analysis supports that this missense variant has a deleterious effect on protein structure/function; This variant is associated with the following publications: (PMID: 27066544)

Literature cited by the submitters: PubMed 27066544 (cited by Labcorp Genetics (formerly Invitae), Labcorp and Women's Health and Genetics/Laboratory Corporation of America, LabCorp); PubMed 30552426 (cited by Women's Health and Genetics/Laboratory Corporation of America, LabCorp); PubMed 26423924 (cited by Women's Health and Genetics/Laboratory Corporation of America, LabCorp).

NM_021098.3(CACNA1H):c.5024G>A (p.Arg1675Gln)

Gene: CACNA1H (calcium voltage-gated channel subunit alpha1 H; plus strand). Cytogenetic location: 16p13.3.
Variant type: single nucleotide variant.
Coding change: c.5024G>A on transcript NM_021098.3 (MANE Select); coding-DNA position 5024, G replaced by A.
Protein change: p.Arg1675Gln; replaces arginine 1675 with glutamine.
Molecular consequence: missense variant.
Genome position (GRCh38, 1-based): chr16:1,215,066, G>A. VCF-style: chr16-1215066-G-A. GRCh37 (hg19) VCF-style: chr16-1265066-G-A.
Other names: c.5006G>A, p.Arg1669Gln (NM_001005407.2); short protein forms R1675Q, R1669Q.
Identifiers: ClinVar variation 571604 (VCV000571604.11), dbSNP rs149367557, ClinGen allele CA7801736.
Genomic context (GRCh38, chr16:1,215,066, plus strand): 5'-TCTTCACCATCGTGTTTGTCTTCGAGGCTGCACTGAAGCTGGTAGCATTTGGGTTCCGTC[G>A]GTTCTTCAAGGACAGGTGTGTGTGGTGGGGCCGTCTTGGGTTCTGGGGGCCCCTCAGGGC-3'
Protein context (NP_066921.2, residues 1665-1685): ALKLVAFGFR[Arg1675Gln]FFKDRWNQLD